The following is an entry in ClinVar:

NM_016734.3(PAX5):c.573C>A (p.Ser191Arg)

Genes: PAX5 (paired box 5; minus strand), LOC105376032 (uncharacterized LOC105376032; plus strand). Cytogenetic location: 9p13.2.
Variant type: single nucleotide variant.
Coding change: c.573C>A on transcript NM_016734.3 (MANE Select); coding-DNA position 573, C replaced by A.
Protein change: p.Ser191Arg; replaces serine 191 with arginine.
Molecular consequence: missense variant. On other transcripts: non-coding transcript variant (2), intron variant (2).
Genome position (GRCh38, 1-based): chr9:37,002,679, G>T on the plus strand (C>A on the coding strand, the complement: PAX5 is on the minus strand). VCF-style: chr9-37002679-G-T. GRCh37 (hg19) VCF-style: chr9-37002676-G-T.
Other names: c.573C>A, p.Ser191Arg (NM_001280547.2, NM_001280548.2, NM_001280549.2 and 2 more transcripts); c.249C>A, p.Ser83Arg (NM_001280551.2, NM_001280556.2); c.375C>A, p.Ser125Arg (NM_001280555.2); c.475+3794C>A (NM_001280553.2, NM_001280554.2); short protein forms S191R, S83R, S125R.
Identifiers: ClinVar variation 4726149 (VCV004726149.1).

ClinVar aggregate classification (germline): Uncertain significance (1 of 4 stars; one submission).

Submission:

Labcorp Genetics (formerly Invitae), Labcorp
Classification: Uncertain significance. Last evaluated: 2025-12-01. Review status: criteria provided, single submitter. Criteria: Invitae Variant Classification Sherloc (09022015). Collection method: clinical testing. Allele origin: germline.
Comment: This sequence change replaces serine, which is neutral and polar, with arginine, which is basic and polar, at codon 191 of the PAX5 protein (p.Ser191Arg). This variant is not present in population databases (gnomAD no frequency). This variant has not been reported in the literature in individuals affected with PAX5-related conditions. An algorithm developed to predict the effect of missense changes on protein structure and function (PolyPhen-2) suggests that this variant is likely to be tolerated. In summary, the available evidence is currently insufficient to determine the role of this variant in disease. Therefore, it has been classified as a Variant of Uncertain Significance.